The following is an entry in ClinVar:

NM_175875.5(SIX5):c.833A>T (p.Asp278Val)

Genes: SIX5 (SIX homeobox 5; minus strand), LOC107075317 (origin of replication in DMPK trinucleotide repeat region; plus strand). Cytogenetic location: 19q13.32.
Variant type: single nucleotide variant.
Coding change: c.833A>T on transcript NM_175875.5 (MANE Select); coding-DNA position 833, A replaced by T.
Protein change: p.Asp278Val; replaces aspartic acid 278 with valine.
Molecular consequence: missense variant.
Genome position (GRCh38, 1-based): chr19:45,767,126, T>A on the plus strand (A>T on the coding strand, the complement: SIX5 is on the minus strand). VCF-style: chr19-45767126-T-A. GRCh37 (hg19) VCF-style: chr19-46270384-T-A.
Other names: short protein forms D278V.
Identifiers: ClinVar variation 3719616 (VCV003719616.2).

ClinVar aggregate classification (germline): Uncertain significance (1 of 4 stars; one submission).

Submission:

Labcorp Genetics (formerly Invitae), Labcorp
Classification: Uncertain significance. Last evaluated: 2025-06-12. Review status: criteria provided, single submitter. Criteria: Invitae Variant Classification Sherloc (09022015). Collection method: clinical testing. Allele origin: germline.
Comment: This sequence change replaces aspartic acid, which is acidic and polar, with valine, which is neutral and non-polar, at codon 278 of the SIX5 protein (p.Asp278Val). This variant is not present in population databases (gnomAD no frequency). This variant has not been reported in the literature in individuals affected with SIX5-related conditions. ClinVar contains an entry for this variant (Variation ID: 3719616). Invitae Evidence Modeling of protein sequence and biophysical properties (such as structural, functional, and spatial information, amino acid conservation, physicochemical variation, residue mobility, and thermodynamic stability) indicates that this missense variant is expected to disrupt SIX5 protein function with a positive predictive value of 80%. In summary, the available evidence is currently insufficient to determine the role of this variant in disease. Therefore, it has been classified as a Variant of Uncertain Significance.